The following is an entry in ClinVar:

NM_001354604.2(MITF):c.*824T>A

Gene: MITF (melanocyte inducing transcription factor; plus strand). Cytogenetic location: 3p13.
Variant type: single nucleotide variant.
Coding change: c.*824T>A on transcript NM_001354604.2 (MANE Select); 824 bases downstream of the stop codon, T replaced by A.
Molecular consequence: 3 prime UTR variant.
Genome position (GRCh38, 1-based): chr3:69,966,072, T>A. VCF-style: chr3-69966072-T-A. GRCh37 (hg19) VCF-style: chr3-70015223-T-A.
Other names: c.*824T>A (NM_000248.4, NM_001184967.2, NM_001354605.2 and 8 more transcripts).
Identifiers: ClinVar variation 903079 (VCV000903079.4), dbSNP rs114659118, ClinGen allele CA16146243.
Genomic context (GRCh38, chr3:69,966,072, plus strand): 5'-ATTAATGTCCTCTCAAAGTAAAATATTGAGGAGCACTGAAAGTATGTTTTACTTTTTTTT[T>A]ATTTTATTTTTGCTTTTGATAAGAAAACCGAACTGGGCATATTTCTAATTGGCTTTACTA-3'

ClinVar aggregate classification (germline): Benign. Review status: criteria provided, single submitter (1 of 4 stars). 2 submissions from 1 submitter: Benign (2). Last evaluated 2018-01-13.

Conditions:
Tietz syndrome (TADS). Also called: ALBINISM-DEAFNESS OF TIETZ; HYPOPIGMENTATION/DEAFNESS OF TIETZ; TIETZ ALBINISM-DEAFNESS SYNDROME. Identifiers: Orphanet 42665, MedGen C0391816, MONDO:0007077, OMIM 103500.
Waardenburg syndrome type 2A (WS2A). Also called: WAARDENBURG SYNDROME WITHOUT DYSTOPIA CANTHORUM. Identifiers: Orphanet 3440, MedGen C1860339, MONDO:0008671, OMIM 193510.

Allele frequency attached by ClinVar (database versions not stated): gnomAD exomes 0.00350; 1000 Genomes Project 0.01637; 1000 Genomes Project 30x 0.01655; gnomAD 0.01886 and 0.02066; TOPMed 0.02216.
gnomAD v4.1: 3,150 of 232,674 alleles (1.4%); highest among the groups gnomAD compares: African/African-American, 6.4%; 81 homozygotes.

Submissions (2):

Illumina Laboratory Services, Illumina
Classification: Benign for Tietz syndrome. Last evaluated: 2018-01-13. Review status: criteria provided, single submitter. Criteria: ICSL Variant Classification Criteria 13 December 2019. Collection method: clinical testing. Allele origin: germline.
Comment: This variant was observed in the ICSL laboratory as part of a predisposition screen in an ostensibly healthy population. It had not been previously curated by ICSL or reported in the Human Gene Mutation Database (HGMD: prior to June 1st, 2018), and was therefore a candidate for classification through an automated scoring system. Utilizing variant allele frequency, disease prevalence and penetrance estimates, and inheritance mode, an automated score was calculated to assess if this variant is too frequent to cause the disease. Based on the score and internal cut-off values, a variant classified as benign is not then subjected to further curation. The score for this variant resulted in a classification of benign for this disease.

Illumina Laboratory Services, Illumina
Classification: Benign for Waardenburg syndrome type 2A. Last evaluated: 2018-01-13. Review status: criteria provided, single submitter. Criteria: ICSL Variant Classification Criteria 13 December 2019. Collection method: clinical testing. Allele origin: germline.
Comment: the same text as in the submission from Illumina Laboratory Services, Illumina above.